The following is an entry in ClinVar:

NM_000141.5(FGFR2):c.34G>A (p.Val12Met)

Gene: FGFR2 (fibroblast growth factor receptor 2; minus strand). Cytogenetic location: 10q26.13.
Variant type: single nucleotide variant.
Coding change: c.34G>A on transcript NM_000141.5 (MANE Select); coding-DNA position 34, G replaced by A.
Protein change: p.Val12Met; replaces valine 12 with methionine.
Molecular consequence: missense variant. On other transcripts: non-coding transcript variant (1).
Genome position (GRCh38, 1-based): chr10:121,593,784, C>T on the plus strand (G>A on the coding strand, the complement: FGFR2 is on the minus strand). VCF-style: chr10-121593784-C-T. GRCh37 (hg19) VCF-style: chr10-123353298-C-T.
Other names: c.34G>A, p.Val12Met (NM_001144913.1, NM_001144914.1, NM_001144915.2 and 7 more transcripts); short protein forms V12M.
Identifiers: ClinVar variation 134387 (VCV000134387.47), dbSNP rs143978938, ClinGen allele CA159665.

ClinVar aggregate classification (germline): Conflicting classifications of pathogenicity. Review status: criteria provided, conflicting classifications (1 of 4 stars). 8 submissions from 8 submitters: Uncertain significance (1); Likely benign (5). 2 of the submissions do not count toward it. Last evaluated 2026-08-01.

Conditions:
FGFR2-related disorder. Identifiers: MedGen CN380096.
Gastric cancer. Also called: Malignant tumor of stomach; Stomach cancer. Identifiers: MedGen C0024623, MeSH D013274, MONDO:0001056, OMIM 613659, HP:0012126.
Saethre-Chotzen syndrome (SCS). Also called: CHOTZEN SYNDROME; ACROCEPHALY, SKULL ASYMMETRY, AND MILD SYNDACTYLY; ACS III. Identifiers: Orphanet 794, MedGen C0175699, MONDO:0007042, OMIM 101400.
Jackson-Weiss syndrome (JWS). Also called: CRANIOSYNOSTOSIS, MIDFACIAL HYPOPLASIA, AND FOOT ABNORMALITIES. Identifiers: Orphanet 1540, MedGen C0795998, MONDO:0007400, OMIM 123150. Disease mechanism: loss of function.
Crouzon syndrome. Also called: CRANIOFACIAL DYSOSTOSIS, TYPE I; Craniofacial dysostosis type 1; Crouzon craniofacial dysostosis; Crouzon disease; Craniofacial dysostosis. Identifiers: Orphanet 207, MedGen C0010273, MeSH D003394, MONDO:0007405, OMIM 123500, HP:0004439.
Bent bone dysplasia syndrome 1 (BBDS1). Also called: FGFR2-related bent bone dysplasia. Identifiers: Orphanet 313855, MedGen C3281247, MONDO:0013815, OMIM 614592.
Antley-Bixler syndrome without genital anomalies or disordered steroidogenesis (ABS2). Also called: MULTISYNOSTOTIC OSTEODYSGENESIS WITH LONG BONE FRACTURES; Antley-Bixler Syndrome, Autosomal Dominant; Trapezoidocephaly synostosis syndrome; Osteodysgenesis, multisynostotic with fractures. Identifiers: Orphanet 596008, Orphanet 83, MedGen C2936791, MONDO:0020667, OMIM 207410.
Pfeiffer syndrome (ACS5). Also called: ACS V. Identifiers: Orphanet 710, MedGen C0220658, MONDO:0007043, OMIM 101600.
LADD syndrome 1 (LADD1). Also called: Lacrimoauriculodentodigital syndrome 1. Identifiers: MedGen C5774323, MONDO:0100302, OMIM 149730.
Familial scaphocephaly syndrome, McGillivray type. Also called: SCAPHOCEPHALY, MAXILLARY RETRUSION, AND IMPAIRED INTELLECTUAL DEVELOPMENT. Identifiers: Orphanet 168624, MedGen C1865070, MONDO:0012307, OMIM 609579.
Beare-Stevenson cutis gyrata syndrome (BSTVS). Identifiers: Orphanet 1555, MedGen C1852406, MONDO:0007412, OMIM 123790.
Acrocephalosyndactyly type I (ACS1). Also called: Apert syndrome; Acrocephalo-syndactyly type 1; ACS 1; Syndactylic oxycephaly. Identifiers: Orphanet 87, MedGen C0001193, MONDO:0007041, OMIM 101200.
FGFR2-related craniosynostosis. Identifiers: MedGen CN231480.

Allele frequency attached by ClinVar (database versions not stated): ExAC 0.00030; gnomAD 0.00042 and 0.00043; TOPMed 0.00044; ESP Exome Variant Server 0.00054; 1000 Genomes Project 0.00120; 1000 Genomes Project 30x 0.00125; gnomAD exomes 0.00023.
gnomAD v4.1: 247 of 1,614,196 alleles (0.015%); highest among the groups gnomAD compares: African/African-American, 0.19%; 2 homozygotes.

Submissions (8):

CeGaT Center for Human Genetics Tuebingen
Classification: Likely benign. Last evaluated: 2026-08-01. Review status: criteria provided, single submitter. Criteria: CeGaT Center For Human Genetics Tuebingen Variant Classification Criteria Version 2. Collection method: clinical testing. Allele origin: germline. Affected: yes. Observed: 2 variant alleles.
Comment: FGFR2: BP4, BS1

Labcorp Genetics (formerly Invitae), Labcorp
Classification: Likely benign for FGFR2-related craniosynostosis. Last evaluated: 2025-10-17. Review status: criteria provided, single submitter. Criteria: Invitae Variant Classification Sherloc (09022015). Collection method: clinical testing. Allele origin: germline.

ARUP Laboratories, Molecular Genetics and Genomics, ARUP Laboratories
Classification: Likely benign. Last evaluated: 2023-11-29. Review status: criteria provided, single submitter. Criteria: ARUP Molecular Germline Variant Investigation Process 2024. Collection method: clinical testing. Allele origin: germline.

Department of Pathology and Laboratory Medicine, Sinai Health System
Classification: Uncertain significance for Acrocephalosyndactyly type I; Saethre-Chotzen syndrome; Pfeiffer syndrome; Jackson-Weiss syndrome; Crouzon syndrome; Beare-Stevenson cutis gyrata syndrome; LADD syndrome 1; Antley-Bixler syndrome without genital anomalies or disordered steroidogenesis; Familial scaphocephaly syndrome, McGillivray type; Gastric cancer; Bent bone dysplasia syndrome 1. Last evaluated: 2022-10-29. Review status: criteria provided, single submitter. Criteria: ACMG Guidelines, 2015. Collection method: research. Allele origin: germline.

GeneDx
Classification: Likely benign. Last evaluated: 2021-02-03. Review status: criteria provided, single submitter. Criteria: GeneDx Variant Classification Process June 2021. Collection method: clinical testing. Allele origin: germline. Affected: yes.

Center for Pediatric Genomic Medicine, Children's Mercy Hospital and Clinics
Classification: Likely benign. Last evaluated: 2016-09-13. Review status: criteria provided, single submitter. Criteria: ACMG Guidelines, 2015. Collection method: clinical testing. Allele origin: germline.
ClinVar note: Converted during submission from Likely Benign to Likely benign.

PreventionGenetics, part of Exact Sciences
Classification: Likely benign for FGFR2-related condition. Last evaluated: 2021-12-01. Review status: no assertion criteria provided. Collection method: clinical testing. Allele origin: germline. Not counted in ClinVar's aggregate classification.
Comment: This variant is classified as likely benign based on ACMG/AMP sequence variant interpretation guidelines (Richards et al. 2015 PMID: 25741868, with internal and published modifications).

ITMI
No classification provided. Condition: AllHighlyPenetrant. Last evaluated: 2013-09-19. Review status: no classification provided. Collection method: reference population. Allele origin: germline. Not counted in ClinVar's aggregate classification.
Comment: Please see associated publication for description of ethnicities

Literature cited by the submitters: PubMed 24728327 (cited by ITMI).